The following is an entry in ClinVar:

ClinVar aggregate classification (germline): Uncertain significance (1 of 4 stars; one submission).

Allele frequency attached by ClinVar (database versions not stated): gnomAD exomes below 0.00001.

Submission:

Labcorp Genetics (formerly Invitae), Labcorp
Classification: Uncertain significance. Last evaluated: 2022-01-03. Review status: criteria provided, single submitter. Criteria: Invitae Variant Classification Sherloc (09022015). Collection method: clinical testing. Allele origin: germline.
Comment: Algorithms developed to predict the effect of sequence changes on RNA splicing suggest that this variant may create or strengthen a splice site. This sequence change replaces methionine, which is neutral and non-polar, with valine, which is neutral and non-polar, at codon 142 of the RASGRP1 protein (p.Met142Val). This variant is not present in population databases (gnomAD no frequency). This variant has not been reported in the literature in individuals affected with RASGRP1-related conditions. Algorithms developed to predict the effect of missense changes on protein structure and function output the following: SIFT: "Tolerated"; PolyPhen-2: "Benign"; Align-GVGD: "Class C0". The valine amino acid residue is found in multiple mammalian species, which suggests that this missense change does not adversely affect protein function. In summary, the available evidence is currently insufficient to determine the role of this variant in disease. Therefore, it has been classified as a Variant of Uncertain Significance.

NM_005739.4(RASGRP1):c.424A>G (p.Met142Val)

Gene: RASGRP1 (RAS guanyl releasing protein 1; minus strand). Cytogenetic location: 15q14.
Variant type: single nucleotide variant.
Coding change: c.424A>G on transcript NM_005739.4 (MANE Select); coding-DNA position 424, A replaced by G.
Protein change: p.Met142Val; replaces methionine 142 with valine.
Molecular consequence: missense variant.
Genome position (GRCh38, 1-based): chr15:38,518,389, T>C on the plus strand (A>G on the coding strand, the complement: RASGRP1 is on the minus strand). VCF-style: chr15-38518389-T-C. GRCh37 (hg19) VCF-style: chr15-38810590-T-C.
Other names: c.424A>G, p.Met142Val (NM_001128602.2, NM_001306086.2); short protein forms M142V.
Identifiers: ClinVar variation 2072428 (VCV002072428.4), dbSNP rs2542918507, ClinGen allele CA391655873.